The following is an entry in ClinVar:

NM_018082.6(POLR3B):c.2376del (p.Met794fs)

Gene: POLR3B (RNA polymerase III subunit B; plus strand). Cytogenetic location: 12q23.3.
Variant type: Deletion.
Coding change: c.2376del on transcript NM_018082.6 (MANE Select); coding-DNA position 2376, one base deleted (G; older notation c.2376delG).
Protein change: p.Met794fs; shifts the reading frame from methionine 794.
Molecular consequence: frameshift variant.
Genome position (GRCh38, 1-based): chr12:106,457,220, G deleted; the last of 4 consecutive G bases (chr12:106,457,217-106,457,220); deleting any one gives the same sequence. VCF-style (leftmost placement, unchanged base first): chr12-106457216-TG-T. GRCh37 (hg19) VCF-style: chr12-106850994-TG-T.
Other names: c.2202del, p.Met736fs (NM_001160708.2); short protein forms M736fs, M794fs.
Identifiers: ClinVar variation 817698 (VCV000817698.23), dbSNP rs1592752356, ClinGen allele CA915946688.

ClinVar aggregate classification (germline): Pathogenic/Likely pathogenic. Review status: criteria provided, multiple submitters, no conflicts (2 of 4 stars). 2 submissions from 2 submitters: Pathogenic (1); Likely pathogenic (1). Last evaluated 2024-07-01.

Submissions (2):

CeGaT Center for Human Genetics Tuebingen
Classification: Pathogenic. Last evaluated: 2024-07-01. Review status: criteria provided, single submitter. Criteria: CeGaT Center For Human Genetics Tuebingen Variant Classification Criteria Version 2. Collection method: clinical testing. Allele origin: germline. Affected: yes. Observed: 2 variant alleles.
Comment: POLR3B: PVS1, PM2, PP4

GeneDx
Classification: Likely pathogenic. Last evaluated: 2018-06-19. Review status: criteria provided, single submitter. Criteria: GeneDx Variant Classification (06012015). Collection method: clinical testing. Allele origin: germline. Affected: yes.
Comment: The c.2376delG variant in the POLR3B gene has not been reported previously as a pathogenic variant nor as a benign variant, to our knowledge. The c.2376delG variant causes a frameshift starting with codon Methionine 794, changes this amino acid to a Cysteine residue, and creates a premature Stop codon at position 16 of the new reading frame, denoted p.Met794CysfsX16. This variant is predicted to cause loss of normal protein function either through protein truncation or nonsense-mediated mRNA decay. The c.2376delG variant is not observed in large population cohorts (Lek et al., 2016). We interpret c.2376delG as a likely pathogenic variant.